The following is an entry in ClinVar:

ClinVar aggregate classification (germline): Conflicting classifications of pathogenicity. Review status: criteria provided, conflicting classifications (1 of 4 stars). 3 submissions from 3 submitters: Uncertain significance (2); Likely benign (1). Last evaluated 2025-12-03.

Conditions:
Inborn genetic diseases. Identifiers: MedGen C0950123, MeSH D030342.
Ullrich congenital muscular dystrophy 2 (UCMD2). Identifiers: Orphanet 75840, MedGen C4225314, MONDO:0014654, OMIM 616470.
Bethlem myopathy 2 (BTHLM2). Identifiers: Orphanet 536516, Orphanet 610, MedGen C4225313, MONDO:0034022, OMIM 616471.

Allele frequency attached by ClinVar (database versions not stated): gnomAD 0.00003; 1000 Genomes Project 30x 0.00031; 1000 Genomes Project 0.00020.
gnomAD v4.1: 71 of 1,613,880 alleles (0.0044%); highest among the groups gnomAD compares: South Asian, 0.06%; 1 homozygote.

Submissions (3):

Labcorp Genetics (formerly Invitae), Labcorp
Classification: Likely benign for Bethlem myopathy 2; Ullrich congenital muscular dystrophy 2. Last evaluated: 2025-12-03. Review status: criteria provided, single submitter. Criteria: Invitae Variant Classification Sherloc (09022015). Collection method: clinical testing. Allele origin: germline.

Ambry Genetics
Classification: Uncertain significance for Inborn genetic diseases. Last evaluated: 2023-02-23. Review status: criteria provided, single submitter. Criteria: Ambry Variant Classification Scheme 2023. Collection method: clinical testing. Allele origin: germline.

GeneDx
Classification: Uncertain significance. Last evaluated: 2022-03-11. Review status: criteria provided, single submitter. Criteria: GeneDx Variant Classification Process June 2021. Collection method: clinical testing. Allele origin: germline. Affected: yes.
Comment: Has not been previously published as pathogenic or benign to our knowledge; In silico analysis supports that this missense variant does not alter protein structure/function

NM_004370.6(COL12A1):c.3161G>A (p.Arg1054Gln)

Gene: COL12A1 (collagen type XII alpha 1 chain; minus strand). Cytogenetic location: 6q13.
Variant type: single nucleotide variant.
Coding change: c.3161G>A on transcript NM_004370.6 (MANE Select); coding-DNA position 3161, G replaced by A.
Protein change: p.Arg1054Gln; replaces arginine 1054 with glutamine.
Molecular consequence: missense variant. On other transcripts: intron variant (1).
Genome position (GRCh38, 1-based): chr6:75,156,346, C>T on the plus strand (G>A on the coding strand, the complement: COL12A1 is on the minus strand). VCF-style: chr6-75156346-C-T. GRCh37 (hg19) VCF-style: chr6-75866062-C-T.
Other names: c.74-3864G>A (NM_080645.3); short protein forms R1054Q.
Identifiers: ClinVar variation 1344910 (VCV001344910.8), dbSNP rs577784031, ClinGen allele CA3893790.